The following is an entry in ClinVar:

NM_006514.4(SCN10A):c.3692T>C (p.Ile1231Thr)

Gene: SCN10A (sodium voltage-gated channel alpha subunit 10; minus strand). Cytogenetic location: 3p22.2.
Variant type: single nucleotide variant.
Coding change: c.3692T>C on transcript NM_006514.4 (MANE Select); coding-DNA position 3692, T replaced by C.
Protein change: p.Ile1231Thr; replaces isoleucine 1231 with threonine.
Molecular consequence: missense variant.
Genome position (GRCh38, 1-based): chr3:38,714,070, A>G on the plus strand (T>C on the coding strand, the complement: SCN10A is on the minus strand). VCF-style: chr3-38714070-A-G. GRCh37 (hg19) VCF-style: chr3-38755561-A-G.
Other names: p.Ile1231Thr; c.3689T>C, p.Ile1230Thr (NM_001293306.2); c.3398T>C, p.Ile1133Thr (NM_001293307.2); short protein forms I1133T, I1230T, I1231T.
Identifiers: ClinVar variation 864550 (VCV000864550.10), dbSNP rs147130891, ClinGen allele CA2320149.

ClinVar aggregate classification (germline): Conflicting classifications of pathogenicity. Review status: criteria provided, conflicting classifications (1 of 4 stars). 4 submissions from 4 submitters: Uncertain significance (1); Benign (1); Likely benign (2). Last evaluated 2025-10-08.

Conditions:
Cardiovascular phenotype. Identifiers: MedGen CN230736.
Brugada syndrome. Also called: Sudden Unexplained Death Syndrome; Sudden Unexplained Nocturnal Death Syndrome (SUNDS); Sudden unexpected nocturnal death syndrome; Sudden unexplained nocturnal death syndrome. Identifiers: Orphanet 130, MedGen C1142166, MONDO:0015263.

Allele frequency attached by ClinVar (database versions not stated): gnomAD 0.00007 and 0.00008; ESP Exome Variant Server 0.00008; gnomAD exomes 0.00008 and 0.00012; TOPMed 0.00008; ExAC 0.00021.
gnomAD v4.1: 127 of 1,614,050 alleles (0.0079%); highest among the groups gnomAD compares: Non-Finnish European, 0.01%; no homozygotes.

Submissions (4):

Labcorp Genetics (formerly Invitae), Labcorp
Classification: Likely benign for Brugada syndrome. Last evaluated: 2025-10-08. Review status: criteria provided, single submitter. Criteria: Invitae Variant Classification Sherloc (09022015). Collection method: clinical testing. Allele origin: germline.

Women's Health and Genetics/Laboratory Corporation of America, LabCorp
Classification: Likely benign. Last evaluated: 2025-09-19. Review status: criteria provided, single submitter. Criteria: LabCorp Variant Classification Summary - May 2015. Collection method: clinical testing. Allele origin: germline.

Mayo Clinic Laboratories, Mayo Clinic
Classification: Uncertain significance. Last evaluated: 2022-03-15. Review status: criteria provided, single submitter. Criteria: ACMG Guidelines, 2015. Collection method: clinical testing. Allele origin: germline. Observed: 1 variant allele.
Comment: BS2

Ambry Genetics
Classification: Benign for Cardiovascular phenotype. Last evaluated: 2021-04-07. Review status: criteria provided, single submitter. Criteria: Ambry Variant Classification Scheme 2023. Collection method: clinical testing. Allele origin: germline.